The following is an entry in ClinVar:

NM_001128159.3(VPS53):c.286-7960C>T

Gene: VPS53 (VPS53 subunit of GARP complex; minus strand). Cytogenetic location: 17p13.3.
Variant type: single nucleotide variant.
Coding change: c.286-7960C>T on transcript NM_001128159.3 (MANE Select); 7960 bases into the intron before coding-DNA position 286, C replaced by T.
Molecular consequence: intron variant.
Genome position (GRCh38, 1-based): chr17:669,855, G>A on the plus strand (C>T on the coding strand, the complement: VPS53 is on the minus strand). VCF-style: chr17-669855-G-A. GRCh37 (hg19) VCF-style: chr17-573095-G-A.
Other names: c.286-13902C>T (NM_018289.4); c.286-7960C>T (NM_001366253.2); c.-407-7960C>T (NM_001366254.2).
Identifiers: ClinVar variation 2582952 (VCV002582952.25), dbSNP rs1011362647, ClinGen allele CA286684887.
Genomic context (GRCh38, chr17:669,855, plus strand): 5'-GGCAGGAGAATCACTTGAACCAGGGAGTCGGAGGTTGCAGTGAGCTGAGATGGTGCCATC[G>A]CACTCCAGCCTGGTGACAGAGCGAGACTCCATCTAAAAAAAAAAAAAGAAGAAAAAAAAG-3'

ClinVar aggregate classification (germline): Likely benign (1 of 4 stars; one submission).

Allele frequency attached by ClinVar (database versions not stated): gnomAD 0.00002.
gnomAD v4.1: 3 of 150,432 alleles (0.002%); highest among the groups gnomAD compares: South Asian, 0.021%; no homozygotes.

Submission:

CeGaT Center for Human Genetics Tuebingen
Classification: Likely benign. Last evaluated: 2023-09-01. Review status: criteria provided, single submitter. Criteria: CeGaT Center For Human Genetics Tuebingen Variant Classification Criteria Version 2. Collection method: clinical testing. Allele origin: germline. Affected: yes. Observed: 1 variant allele.
Comment: VPS53: BP4, BP7